The following is an entry in ClinVar:

NM_032119.4(ADGRV1):c.15622G>A (p.Ala5208Thr)

Gene: ADGRV1 (adhesion G protein-coupled receptor V1; plus strand). Cytogenetic location: 5q14.3.
Variant type: single nucleotide variant.
Coding change: c.15622G>A on transcript NM_032119.4 (MANE Select); coding-DNA position 15622, G replaced by A.
Protein change: p.Ala5208Thr; replaces alanine 5208 with threonine.
Molecular consequence: missense variant. On other transcripts: non-coding transcript variant (1).
Genome position (GRCh38, 1-based): chr5:90,810,882, G>A. VCF-style: chr5-90810882-G-A. GRCh37 (hg19) VCF-style: chr5-90106699-G-A.
Other names: c.15622G>A (NM_032119.3); short protein forms A5208T.
Identifiers: ClinVar variation 1011125 (VCV001011125.7), dbSNP rs1023881798, ClinGen allele CA122821902.
Genomic context (GRCh38, chr5:90,810,882, plus strand): 5'-ATCCCTGAGAAACTTGTCACCCTTCATGGCACACCTGCTGTGTCTGAAAAGCCTGATGTG[G>A]CCACTGTAACTGCCAATGTTTCCATTCATGGAACATTCAGCCTTGGGCCATCCATTGTTT-3'
Protein context (NP_115495.3, residues 5198-5218): TPAVSEKPDV[Ala5208Thr]TVTANVSIHG

ClinVar aggregate classification (germline): Uncertain significance. Review status: criteria provided, multiple submitters, no conflicts (2 of 4 stars). 2 submissions from 2 submitters: Uncertain significance (2). Last evaluated 2025-01-03.

Conditions:
Inborn genetic diseases. Identifiers: MedGen C0950123, MeSH D030342.

gnomAD v4.1: 9 of 1,614,012 alleles (0.00056%); highest among the groups gnomAD compares: African/African-American, 0.011%; no homozygotes.

Submissions (2):

Ambry Genetics
Classification: Uncertain significance for Inborn genetic diseases. Last evaluated: 2025-01-03. Review status: criteria provided, single submitter. Criteria: Ambry Variant Classification Scheme 2023. Collection method: clinical testing. Allele origin: germline.

Labcorp Genetics (formerly Invitae), Labcorp
Classification: Uncertain significance. Last evaluated: 2021-08-31. Review status: criteria provided, single submitter. Criteria: Invitae Variant Classification Sherloc (09022015). Collection method: clinical testing. Allele origin: germline.
Comment: This sequence change replaces alanine with threonine at codon 5208 of the ADGRV1 protein (p.Ala5208Thr). The alanine residue is weakly conserved and there is a small physicochemical difference between alanine and threonine. This variant is not present in population databases (ExAC no frequency). This variant has not been reported in the literature in individuals affected with ADGRV1-related conditions. Algorithms developed to predict the effect of missense changes on protein structure and function output the following: SIFT: "Tolerated"; PolyPhen-2: "Benign"; Align-GVGD: "Class C0". The threonine amino acid residue is found in multiple mammalian species, which suggests that this missense change does not adversely affect protein function. In summary, the available evidence is currently insufficient to determine the role of this variant in disease. Therefore, it has been classified as a Variant of Uncertain Significance.